The following is an entry in ClinVar:

ClinVar aggregate classification (germline): Likely pathogenic (1 of 4 stars; one submission).

Submission:

GeneDx
Classification: Likely pathogenic. Last evaluated: 2019-09-13. Review status: criteria provided, single submitter. Criteria: GeneDx Variant Classification Process June 2021. Collection method: clinical testing. Allele origin: germline. Affected: yes.
Comment: Reported in at least one patient referred for genetic testing for LQTS (Khositseth et al., 2004; Tester et al., 2005); however, additional clinical and segregation information were not provided; Not observed in large population cohorts (Lek et al., 2016); In-frame deletion of 1 amino acids in a non-repeat region; In silico analysis, which includes protein predictors and evolutionary conservation, supports a deleterious effect; This variant is associated with the following publications: (PMID: 15851119, 15840476)

NM_000238.4(KCNH2):c.1423_1425del (p.Tyr475del)

Gene: KCNH2 (potassium voltage-gated channel subfamily H member 2; minus strand). Cytogenetic location: 7q36.1.
Variant type: Deletion.
Coding change: c.1423_1425del on transcript NM_000238.4 (MANE Select); coding-DNA positions 1423 to 1425, 3 bases deleted (TAC; older notation c.1423_1425delTAC).
Protein change: p.Tyr475del; deletes tyrosine 475.
Molecular consequence: inframe deletion. On other transcripts: inframe indel (5).
Genome position (GRCh38, 1-based): chr7:150,952,557-150,952,559, GTA deleted on the plus strand (TAC on the coding strand, the reverse complement: KCNH2 is on the minus strand); deleting any 3 consecutive bases within chr7:150,952,557-150,952,560 gives the same sequence; the c. name uses the placement nearest the transcript's 3' end. VCF-style (leftmost placement, unchanged base first): chr7-150952556-CGTA-C. GRCh37 (hg19) VCF-style: chr7-150649644-CGTA-C.
Other names: c.403_405del, p.Tyr135del (NM_001204798.2, NM_172057.3); c.1134_1136delCTA, p.Tyr379del (NM_001406753.1, NM_001406756.1); c.1245_1247delCTA, p.Tyr416del (NM_001406755.1); c.1122_1124delCTA, p.Tyr375del (NM_001406757.1); c.1422_1424delCTA, p.Tyr475del (NM_172056.3); c.1423_1425delTAC (NM_000238.2); short protein forms Y135del, Y475del, Y375del, Y379del, Y416del.
Identifiers: ClinVar variation 200636 (VCV000200636.4), dbSNP rs794728437, ClinGen allele CA004616.
Genomic context (GRCh38, chr7:150,952,556, plus strand): 5'-CCTTGAAGTAGTGGACGGCGATGCGGCCGGGGTGGCTGACCACCTCCTCGTTGGCATTGA[CGTA>C]GGTGGTGCGGAAGTTGATGAGGATGTCCACAATGAACATGATGTCCACGATGAGGTCCAC-3'